The following is an entry in ClinVar:

NM_182972.3(IRF2BP2):c.412C>T (p.Pro138Ser)

Genes: IRF2BP2 (interferon regulatory factor 2 binding protein 2; minus strand), LOC129932812 (ATAC-STARR-seq lymphoblastoid silent region 1977; plus strand). Cytogenetic location: 1q42.3.
Variant type: single nucleotide variant.
Coding change: c.412C>T on transcript NM_182972.3 (MANE Select); coding-DNA position 412, C replaced by T.
Protein change: p.Pro138Ser; replaces proline 138 with serine.
Molecular consequence: missense variant.
Genome position (GRCh38, 1-based): chr1:234,609,083, G>A on the plus strand (C>T on the coding strand, the complement: IRF2BP2 is on the minus strand). VCF-style: chr1-234609083-G-A. GRCh37 (hg19) VCF-style: chr1-234744829-G-A.
Other names: c.412C>T, p.Pro138Ser (NM_001077397.1); short protein forms P138S.
Identifiers: ClinVar variation 2739693 (VCV002739693.3), dbSNP rs768612000, ClinGen allele CA1461865.

ClinVar aggregate classification (germline): Uncertain significance (1 of 4 stars; one submission).

Allele frequency attached by ClinVar (database versions not stated): TOPMed below 0.00001; gnomAD 0.00001; ExAC 0.00016.
gnomAD v4.1: 2 of 1,245,360 alleles (0.00016%); highest among the groups gnomAD compares: East Asian, 0.0064%; no homozygotes.

Submission:

Labcorp Genetics (formerly Invitae), Labcorp
Classification: Uncertain significance. Last evaluated: 2023-05-27. Review status: criteria provided, single submitter. Criteria: Invitae Variant Classification Sherloc (09022015). Collection method: clinical testing. Allele origin: germline.
Comment: In summary, the available evidence is currently insufficient to determine the role of this variant in disease. Therefore, it has been classified as a Variant of Uncertain Significance. An algorithm developed to predict the effect of missense changes on protein structure and function (PolyPhen-2) suggests that this variant is likely to be tolerated. This variant has not been reported in the literature in individuals affected with IRF2BP2-related conditions. This variant is present in population databases (rs768612000, gnomAD 0.1%). This sequence change replaces proline, which is neutral and non-polar, with serine, which is neutral and polar, at codon 138 of the IRF2BP2 protein (p.Pro138Ser).